The following is an entry in ClinVar:

ClinVar aggregate classification (germline): Uncertain significance (1 of 4 stars; one submission).

Submission:

Labcorp Genetics (formerly Invitae), Labcorp
Classification: Uncertain significance. Last evaluated: 2022-11-03. Review status: criteria provided, single submitter. Criteria: Invitae Variant Classification Sherloc (09022015). Collection method: clinical testing. Allele origin: germline.
Comment: This variant has not been reported in the literature in individuals affected with RDH11-related conditions. In summary, the available evidence is currently insufficient to determine the role of this variant in disease. Therefore, it has been classified as a Variant of Uncertain Significance. Algorithms developed to predict the effect of missense changes on protein structure and function are either unavailable or do not agree on the potential impact of this missense change (SIFT: "Tolerated"; PolyPhen-2: "Possibly Damaging"; Align-GVGD: "Class C0"). This variant is not present in population databases (gnomAD no frequency). This sequence change replaces alanine, which is neutral and non-polar, with threonine, which is neutral and polar, at codon 217 of the RDH11 protein (p.Ala217Thr).

NM_016026.4(RDH11):c.649G>A (p.Ala217Thr)

Genes: GPHN (gephyrin; plus strand), RDH11 (retinol dehydrogenase 11; minus strand). Cytogenetic location: 14q24.1.
Variant type: single nucleotide variant.
Coding change: c.649G>A on transcript NM_016026.4 (MANE Select); coding-DNA position 649, G replaced by A.
Protein change: p.Ala217Thr; replaces alanine 217 with threonine.
Molecular consequence: missense variant. On other transcripts: intron variant (1).
Genome position (GRCh38, 1-based): chr14:67,690,227, C>T on the plus strand (G>A on the coding strand, the complement: RDH11 is on the minus strand). VCF-style: chr14-67690227-C-T. GRCh37 (hg19) VCF-style: chr14-68156944-C-T.
Other names: c.454+913G>A (NM_001252650.2); short protein forms A217T.
Identifiers: ClinVar variation 2001936 (VCV002001936.4), dbSNP rs2503632208, ClinGen allele CA390132723.